The following is an entry in ClinVar:

ClinVar aggregate classification (germline): Pathogenic (1 of 4 stars; one submission).

Conditions:
Neuronal ceroid lipofuscinosis. Also called: Neuronal Ceroid Lipofuscinoses. Identifiers: Orphanet 216, Orphanet 79263, MedGen C0027877, MONDO:0016295. Disease mechanism: loss of function.

Submission:

Labcorp Genetics (formerly Invitae), Labcorp
Classification: Pathogenic for Neuronal ceroid lipofuscinosis. Last evaluated: 2022-09-06. Review status: criteria provided, single submitter. Criteria: Invitae Variant Classification Sherloc (09022015). Collection method: clinical testing. Allele origin: germline.
Comment: For these reasons, this variant has been classified as Pathogenic. Algorithms developed to predict the effect of sequence changes on RNA splicing suggest that this variant may create or strengthen a splice site. This variant has not been reported in the literature in individuals affected with CLN6-related conditions. This variant is not present in population databases (gnomAD no frequency). This sequence change creates a premature translational stop signal (p.Arg136Profs*27) in the CLN6 gene. It is expected to result in an absent or disrupted protein product. Loss-of-function variants in CLN6 are known to be pathogenic (PMID: 19135028).

Literature cited by the submitters: PubMed 19135028.

NM_017882.3(CLN6):c.407del (p.Arg136fs)

Gene: CLN6 (CLN6 transmembrane ER protein; minus strand). Cytogenetic location: 15q23.
Variant type: Deletion.
Coding change: c.407del on transcript NM_017882.3 (MANE Select); coding-DNA position 407, one base deleted (G; older notation c.407delG).
Protein change: p.Arg136fs; shifts the reading frame from arginine 136.
Molecular consequence: frameshift variant.
Genome position (GRCh38, 1-based): chr15:68,211,754, C deleted on the plus strand (G on the coding strand, the reverse complement: CLN6 is on the minus strand). VCF-style (leftmost placement, unchanged base first): chr15-68211753-GC-G. GRCh37 (hg19) VCF-style: chr15-68504091-GC-G.
Other names: c.503delG, p.Arg168Profs (NM_001411068.1); short protein forms R136fs.
Identifiers: ClinVar variation 2065167 (VCV002065167.4), dbSNP rs2505409311, ClinGen allele CA2580089901.